The following is an entry in ClinVar:

ClinVar aggregate classification (germline): Uncertain significance. Review status: criteria provided, multiple submitters, no conflicts (2 of 4 stars). 2 submissions from 2 submitters: Uncertain significance (2). Last evaluated 2023-08-15.

Conditions:
Catecholaminergic polymorphic ventricular tachycardia 1. Also called: RYR2-Related Catecholaminergic Polymorphic Ventricular Tachycardia; VENTRICULAR TACHYCARDIA, CATECHOLAMINERGIC POLYMORPHIC, 1, WITH OR WITHOUT ATRIAL DYSFUNCTION AND/OR DILATED CARDIOMYOPATHY; VENTRICULAR TACHYCARDIA, STRESS-INDUCED POLYMORPHIC 1. Identifiers: Orphanet 3286, MedGen C1631597, MONDO:0011484, OMIM 604772.
Catecholaminergic polymorphic ventricular tachycardia (CVPT). Also called: Catecholamine-induced polymorphic ventricular tachycardia. Identifiers: Orphanet 3286, MedGen C5574922, MONDO:0017990.

Allele frequency attached by ClinVar (database versions not stated): gnomAD 0.00001; TOPMed 0.00002.
gnomAD v4.1: 3 of 1,613,774 alleles (0.00019%); highest among the groups gnomAD compares: Admixed American, 0.0033%; no homozygotes.

Submissions (2):

All of Us Research Program, National Institutes of Health
Classification: Uncertain significance for Catecholaminergic polymorphic ventricular tachycardia. Last evaluated: 2023-08-15. Review status: criteria provided, single submitter. Criteria: ACMG Guidelines, 2015. Collection method: clinical testing. Allele origin: germline. Inheritance: Autosomal dominant inheritance. Observed: 1 variant allele, 1 heterozygote.
Comment: This missense variant replaces leucine with phenylalanine at codon 1322 of the RYR2 protein. Computational prediction suggests that this variant may not impact protein structure and function (internally defined REVEL score threshold <= 0.5, PMID: 27666373). To our knowledge, functional studies have not been reported for this variant. This variant has not been reported in individuals affected with RYR2-related disorders in the literature. This variant has not been identified in the general population by the Genome Aggregation Database (gnomAD). The available evidence is insufficient to determine the role of this variant in disease conclusively. Therefore, this variant is classified as a Variant of Uncertain Significance.

This study involves interpretation of variants in research participants for the purpose of population health screening. Participant phenotype was not available at the time of variant classification. Additional details can be found in publication PMID: 35346344, PMCID: PMC8962531

Labcorp Genetics (formerly Invitae), Labcorp
Classification: Uncertain significance for Catecholaminergic polymorphic ventricular tachycardia 1. Last evaluated: 2022-09-15. Review status: criteria provided, single submitter. Criteria: Invitae Variant Classification Sherloc (09022015). Collection method: clinical testing. Allele origin: germline.
Comment: In summary, the available evidence is currently insufficient to determine the role of this variant in disease. Therefore, it has been classified as a Variant of Uncertain Significance. Advanced modeling of protein sequence and biophysical properties (such as structural, functional, and spatial information, amino acid conservation, physicochemical variation, residue mobility, and thermodynamic stability) performed at Invitae indicates that this missense variant is not expected to disrupt RYR2 protein function. ClinVar contains an entry for this variant (Variation ID: 655520). This variant has not been reported in the literature in individuals affected with RYR2-related conditions. This variant is not present in population databases (gnomAD no frequency). This sequence change replaces leucine, which is neutral and non-polar, with phenylalanine, which is neutral and non-polar, at codon 1322 of the RYR2 protein (p.Leu1322Phe).

NM_001035.3(RYR2):c.3964C>T (p.Leu1322Phe)

Genes: RYR2 (ryanodine receptor 2; plus strand), LOC126806067 (BRD4-independent group 4 enhancer GRCh37_chr1:237753258-237754457; plus strand). Cytogenetic location: 1q43.
Variant type: single nucleotide variant.
Coding change: c.3964C>T on transcript NM_001035.3 (MANE Select); coding-DNA position 3964, C replaced by T.
Protein change: p.Leu1322Phe; replaces leucine 1322 with phenylalanine.
Molecular consequence: missense variant.
Genome position (GRCh38, 1-based): chr1:237,590,796, C>T. VCF-style: chr1-237590796-C-T. GRCh37 (hg19) VCF-style: chr1-237754096-C-T.
Other names: c.3964C>T, p.Leu1322Phe (LRG_402t1); short protein forms L1322F.
Identifiers: ClinVar variation 655520 (VCV000655520.6), dbSNP rs770433289, ClinGen allele CA345397451.